The following is an entry in ClinVar:

NM_002691.4(POLD1):c.721T>G (p.Phe241Val)

Gene: POLD1 (DNA polymerase delta 1, catalytic subunit; plus strand). Cytogenetic location: 19q13.33.
Variant type: single nucleotide variant.
Coding change: c.721T>G on transcript NM_002691.4 (MANE Select); coding-DNA position 721, T replaced by G.
Protein change: p.Phe241Val; replaces phenylalanine 241 with valine.
Molecular consequence: missense variant. On other transcripts: non-coding transcript variant (1).
Genome position (GRCh38, 1-based): chr19:50,402,336, T>G. VCF-style: chr19-50402336-T-G. GRCh37 (hg19) VCF-style: chr19-50905593-T-G.
Other names: c.721T>G, p.Phe241Val (NM_001256849.1, NM_001308632.1); short protein forms F241V.
Identifiers: ClinVar variation 576052 (VCV000576052.10), dbSNP rs1568620331, ClinGen allele CA406974503.

ClinVar aggregate classification (germline): Uncertain significance. Review status: criteria provided, multiple submitters, no conflicts (2 of 4 stars). 2 submissions from 2 submitters: Uncertain significance (2). Last evaluated 2025-09-10.

Conditions:
POLD1-related polyposis and colorectal cancer syndrome (CRCS10). Also called: Colorectal cancer 10; COLORECTAL CANCER, SUSCEPTIBILITY TO, ON CHROMOSOME 19q; Colorectal cancer, susceptibility to, 10. Identifiers: Orphanet 220460, MedGen C2675481, MONDO:0012953, OMIM 612591.
Hereditary cancer-predisposing syndrome. Also called: Tumor predisposition; Neoplastic Syndromes, Hereditary; Hereditary Cancer Syndrome; Hereditary neoplastic syndrome. Identifiers: Orphanet 140162, MedGen C0027672, MeSH D009386, MONDO:0015356.

Allele frequency attached by ClinVar (database versions not stated): gnomAD exomes below 0.00001; TOPMed below 0.00001; gnomAD 0.00001.
gnomAD v4.1: 3 of 1,611,188 alleles (0.00019%); highest among the groups gnomAD compares: Non-Finnish European, 0.00025%; no homozygotes.

Submissions (2):

Labcorp Genetics (formerly Invitae), Labcorp
Classification: Uncertain significance for POLD1-related polyposis and colorectal cancer syndrome. Last evaluated: 2025-09-10. Review status: criteria provided, single submitter. Criteria: Invitae Variant Classification Sherloc (09022015). Collection method: clinical testing. Allele origin: germline.
Comment: This sequence change replaces phenylalanine, which is neutral and non-polar, with valine, which is neutral and non-polar, at codon 241 of the POLD1 protein (p.Phe241Val). This variant is not present in population databases (gnomAD no frequency). This variant has not been reported in the literature in individuals affected with POLD1-related conditions. ClinVar contains an entry for this variant (Variation ID: 576052). Invitae Evidence Modeling of protein sequence and biophysical properties (such as structural, functional, and spatial information, amino acid conservation, physicochemical variation, residue mobility, and thermodynamic stability) indicates that this missense variant is not expected to disrupt POLD1 protein function with a negative predictive value of 80%. In summary, the available evidence is currently insufficient to determine the role of this variant in disease. Therefore, it has been classified as a Variant of Uncertain Significance.

Ambry Genetics
Classification: Uncertain significance for Hereditary cancer-predisposing syndrome. Last evaluated: 2024-02-16. Review status: criteria provided, single submitter. Criteria: Ambry Variant Classification Scheme 2023. Collection method: clinical testing. Allele origin: germline.
Comment: The p.F241V variant (also known as c.721T>G), located in coding exon 5 of the POLD1 gene, results from a T to G substitution at nucleotide position 721. The phenylalanine at codon 241 is replaced by valine, an amino acid with highly similar properties. This amino acid position is conserved. In addition, this alteration is predicted to be tolerated by in silico analysis. Since supporting evidence is limited at this time, the clinical significance of this alteration remains unclear.